The following is an entry in ClinVar:

NM_003000.3(SDHB):c.565dup (p.Cys189fs)

Gene: SDHB (succinate dehydrogenase complex iron sulfur subunit B; minus strand). Cytogenetic location: 1p36.13.
Variant type: Duplication.
Coding change: c.565dup on transcript NM_003000.3 (MANE Select); coding-DNA position 565, one base duplicated (T; older notation c.565dupT).
Protein change: p.Cys189fs; shifts the reading frame from cysteine 189.
Molecular consequence: frameshift variant.
Genome position (GRCh38, 1-based): chr1:17,024,050, A duplicated on the plus strand (T on the coding strand, the reverse complement: SDHB is on the minus strand). VCF-style (leftmost placement, unchanged base first): chr1-17024049-C-CA. GRCh37 (hg19) VCF-style: chr1-17350544-C-CA.
Other names: c.511dup, p.Cys171fs (NM_001407361.1); c.565dupT (NM_003000.2); short protein forms C189fs, C171fs.
Identifiers: ClinVar variation 3951403 (VCV003951403.1).

ClinVar aggregate classification (germline): Pathogenic (1 of 4 stars; one submission).

Conditions:
Hereditary cancer-predisposing syndrome. Also called: Tumor predisposition; Hereditary neoplastic syndrome; Hereditary Cancer Syndrome; Neoplastic Syndromes, Hereditary. Identifiers: Orphanet 140162, MedGen C0027672, MeSH D009386, MONDO:0015356.

Submission:

Ambry Genetics
Classification: Pathogenic for Hereditary cancer-predisposing syndrome. Last evaluated: 2025-06-13. Review status: criteria provided, single submitter. Criteria: Ambry Variant Classification Scheme 2023. Collection method: clinical testing. Allele origin: germline.
Comment: The c.565dupT () alteration, located in exon 6 (coding exon 6) of the SDHB gene, consists of a duplication of T at position 565, causing a translational frameshift with a predicted alternate stop codon after nan amino acids. Frameshift alterations are typically deleterious in nature (Richards, 2015). This variant was not reported in population-based cohorts in the Genome Aggregation Database (gnomAD). This variant was reported in a cohort of patients with SDHB-related hereditary pheochromocytoma-paraganglioma (Ben Aim, 2022). Based on the available evidence, this alteration is classified as pathogenic.

Literature cited by the submitters: PubMed 34452955.